The following is an entry in ClinVar:

ClinVar aggregate classification (germline): Uncertain significance (1 of 4 stars; one submission).

Allele frequency attached by ClinVar (database versions not stated): gnomAD exomes below 0.00001; TOPMed 0.00002.

Submission:

Labcorp Genetics (formerly Invitae), Labcorp
Classification: Uncertain significance. Last evaluated: 2023-11-06. Review status: criteria provided, single submitter. Criteria: Invitae Variant Classification Sherloc (09022015). Collection method: clinical testing. Allele origin: germline.
Comment: This sequence change creates a premature translational stop signal (p.Glu76*) in the WNT3A gene. It is expected to result in an absent or disrupted protein product. However, the current clinical and genetic evidence is not sufficient to establish whether loss-of-function variants in WNT3A cause disease. This variant is present in population databases (no rsID available, gnomAD 0.007%). This variant has not been reported in the literature in individuals affected with WNT3A-related conditions. In summary, the available evidence is currently insufficient to determine the role of this variant in disease. Therefore, it has been classified as a Variant of Uncertain Significance.

NM_033131.4(WNT3A):c.226G>T (p.Glu76Ter)

Gene: WNT3A (Wnt family member 3A; plus strand). Cytogenetic location: 1q42.13.
Variant type: single nucleotide variant.
Coding change: c.226G>T on transcript NM_033131.4 (MANE Select); coding-DNA position 226, G replaced by T.
Protein change: p.Glu76Ter; replaces glutamic acid 76 with a stop codon.
Molecular consequence: nonsense.
Genome position (GRCh38, 1-based): chr1:228,022,821, G>T. VCF-style: chr1-228022821-G-T. GRCh37 (hg19) VCF-style: chr1-228210522-G-T.
Other names: short protein forms E76*.
Identifiers: ClinVar variation 2793399 (VCV002793399.3), dbSNP rs1346108878, ClinGen allele CA345333937.